The following is an entry in ClinVar:

ClinVar aggregate classification (germline): Likely benign (0 of 4 stars; one submission).

Conditions:
VPS13B-related disorder. Also called: VPS13B-related condition.

Submission:

PreventionGenetics, part of Exact Sciences
Classification: Likely benign for VPS13B-related condition. Last evaluated: 2024-07-11. Review status: no assertion criteria provided. Collection method: clinical testing. Allele origin: germline.
Comment: This variant is classified as likely benign based on ACMG/AMP sequence variant interpretation guidelines (Richards et al. 2015 PMID: 25741868, with internal and published modifications).

NM_152564.5(VPS13B):c.4134C>T (p.Phe1378=)

Gene: VPS13B (vacuolar protein sorting 13 homolog B; plus strand). Cytogenetic location: 8q22.2.
Variant type: single nucleotide variant.
Coding change: c.4134C>T on transcript NM_152564.5 (MANE Select); coding-DNA position 4134, C replaced by T.
Protein change: p.Phe1378=; no amino-acid change (phenylalanine 1378 retained).
Molecular consequence: synonymous variant.
Genome position (GRCh38, 1-based): chr8:99,502,927, C>T. VCF-style: chr8-99502927-C-T. GRCh37 (hg19) VCF-style: chr8-100515155-C-T.
Other names: c.4134C>T, p.Phe1378= (NM_017890.5).
Identifiers: ClinVar variation 3344151 (VCV003344151.1).